The following is an entry in ClinVar:

ClinVar aggregate classification (germline): Likely pathogenic (1 of 4 stars; one submission).

Conditions:
Immunodeficiency 51 (IMD51). Also called: CANDIDIASIS, FAMILIAL, 5. Identifiers: Orphanet 1334, MedGen C4310803, MONDO:0013500, OMIM 613953.

Submission:

Juno Genomics, Hangzhou Juno Genomics, Inc
Classification: Likely pathogenic for Immunodeficiency 51. Review status: criteria provided, single submitter. Criteria: ACMG Guidelines, 2015. Collection method: clinical testing. Allele origin: germline.
Comment: Absent from controls (or at extremely low frequency if recessive) in Genome Aggregation Database.;Null variant in a gene where loss of function (LOF) is a known mechanism of disease.

NM_014339.7(IL17RA):c.556_575dup (p.Val192_Thr193insSerThrProGlyTer)

Gene: IL17RA (interleukin 17 receptor A; plus strand). Cytogenetic location: 22q11.1.
Variant type: Duplication.
Coding change: c.556_575dup on transcript NM_014339.7 (MANE Select); coding-DNA positions 556 to 575, 20 bases duplicated (GAGCACGCCAGGATGAAGGT).
Protein change: p.Val192_Thr193insSerThrProGlyTer.
Molecular consequence: nonsense, inframe insertion.
Genome position (GRCh38, 1-based): chr22:17,102,001-17,102,020, GAGCACGCCAGGATGAAGGT duplicated; duplicating any 20 consecutive bases within chr22:17,101,999-17,102,020 gives the same sequence; the c. name uses the placement nearest the transcript's 3' end. VCF-style (leftmost placement, unchanged base first): chr22-17101998-T-TGTGAGCACGCCAGGATGAAG. GRCh37 (hg19) VCF-style: chr22-17582888-T-TGTGAGCACGCCAGGATGAAG.
Other names: c.556_575dup, p.Val192_Thr193insSerThrProGlyTer (NM_001289905.2).
Identifiers: ClinVar variation 5018606 (VCV005018606.2).